The following is an entry in ClinVar:

NM_138413.4(HOGA1):c.85G>T (p.Glu29Ter)

Gene: HOGA1 (4-hydroxy-2-oxoglutarate aldolase 1; plus strand). Cytogenetic location: 10q24.2.
Variant type: single nucleotide variant.
Coding change: c.85G>T on transcript NM_138413.4 (MANE Select); coding-DNA position 85, G replaced by T.
Protein change: p.Glu29Ter; replaces glutamic acid 29 with a stop codon.
Molecular consequence: nonsense.
Genome position (GRCh38, 1-based): chr10:97,584,788, G>T. VCF-style: chr10-97584788-G-T. GRCh37 (hg19) VCF-style: chr10-99344545-G-T.
Other names: c.85G>T, p.Glu29Ter (NM_001134670.2); short protein forms E29*.
Identifiers: ClinVar variation 2664401 (VCV002664401.3), dbSNP rs764274149, ClinGen allele CA377967226.

ClinVar aggregate classification (germline): Pathogenic. Review status: criteria provided, single submitter (1 of 4 stars). 2 submissions from 2 submitters: Pathogenic (1). 1 of the submissions does not count toward it. Last evaluated 2023-10-27.

Conditions:
Primary hyperoxaluria type 3. Also called: PH III. Identifiers: Orphanet 416, Orphanet 93600, MedGen C3150878, MONDO:0013327, OMIM 613616. Disease mechanism: loss of function.

Submissions (2):

Clinical Biochemistry Laboratory, Health Services Laboratory
Classification: Pathogenic for Primary hyperoxaluria type 3. Last evaluated: 2023-10-27. Review status: criteria provided, single submitter. Criteria: ACMG Guidelines, 2015. Collection method: curation. Allele origin: germline. Affected: yes.
Comment: ACMG:PVS1 PM2 PM3 PP4

Chinese Inherited Urolithiasis Consortium, The Affiliated Yantai Yuhuangding Hospital of Qingdao University
Classification: Pathogenic for Primary hyperoxaluria type 3. Last evaluated: 2024-08-26. Review status: no assertion criteria provided. Collection method: clinical testing. Allele origin: paternal. Affected: yes. Observed: 1 variant allele. Not counted in ClinVar's aggregate classification.

Literature cited by the submitters: PubMed 34995728 (cited by Clinical Biochemistry Laboratory, Health Services Laboratory).